The following is an entry in ClinVar:

ClinVar aggregate classification (germline): Uncertain significance (1 of 4 stars; one submission).

Conditions:
Chédiak-Higashi syndrome (CHS). Also called: Chediak-Higashi Syndrome. Identifiers: Orphanet 167, MedGen C0007965, MONDO:0008963, OMIM 214500.

Allele frequency attached by ClinVar (database versions not stated): gnomAD exomes below 0.00001.
gnomAD v4.1: 1 of 1,611,260 alleles (0.000062%); highest among the groups gnomAD compares: Non-Finnish European, 0.000085%; no homozygotes.

Submission:

Labcorp Genetics (formerly Invitae), Labcorp
Classification: Uncertain significance for Chédiak-Higashi syndrome. Last evaluated: 2021-10-09. Review status: criteria provided, single submitter. Criteria: Invitae Variant Classification Sherloc (09022015). Collection method: clinical testing. Allele origin: germline.
Comment: This sequence change replaces serine with arginine at codon 3562 of the LYST protein (p.Ser3562Arg). The serine residue is weakly conserved and there is a moderate physicochemical difference between serine and arginine. This variant is not present in population databases (ExAC no frequency). This variant has not been reported in the literature in individuals affected with LYST-related conditions. Algorithms developed to predict the effect of missense changes on protein structure and function (SIFT, PolyPhen-2, Align-GVGD) all suggest that this variant is likely to be tolerated. In summary, the available evidence is currently insufficient to determine the role of this variant in disease. Therefore, it has been classified as a Variant of Uncertain Significance.

NM_000081.4(LYST):c.10684A>C (p.Ser3562Arg)

Gene: LYST (lysosomal trafficking regulator; minus strand). Cytogenetic location: 1q42.3.
Variant type: single nucleotide variant.
Coding change: c.10684A>C on transcript NM_000081.4 (MANE Select); coding-DNA position 10684, A replaced by C.
Protein change: p.Ser3562Arg; replaces serine 3562 with arginine.
Molecular consequence: missense variant.
Genome position (GRCh38, 1-based): chr1:235,693,367, T>G on the plus strand (A>C on the coding strand, the complement: LYST is on the minus strand). VCF-style: chr1-235693367-T-G. GRCh37 (hg19) VCF-style: chr1-235856667-T-G.
Other names: c.10684A>C, p.Ser3562Arg (NM_001301365.1); short protein forms S3562R.
Identifiers: ClinVar variation 525156 (VCV000525156.6), dbSNP rs2527257752, ClinGen allele CA344925941.